The following is an entry in ClinVar:

ClinVar aggregate classification (germline): Conflicting classifications of pathogenicity. Review status: criteria provided, conflicting classifications (1 of 4 stars). 3 submissions from 3 submitters: Uncertain significance (2); Likely benign (1). Last evaluated 2025-06-24.

Conditions:
Cardiovascular phenotype. Identifiers: MedGen CN230736.
Osteogenesis imperfecta type I (OI1). Also called: Lobstein's Disease; OI, TYPE I; OSTEOGENESIS IMPERFECTA TARDA; OSTEOGENESIS IMPERFECTA WITH BLUE SCLERAE; Osteogenesis imperfecta type 1; Lobstein disease. Identifiers: Orphanet 216796, Orphanet 666, MedGen C0023931, MONDO:0008146, OMIM 166200. Disease mechanism: loss of function.

Allele frequency attached by ClinVar (database versions not stated): gnomAD 0.00001; ExAC 0.00002; gnomAD exomes 0.00003; TOPMed 0.00003; ESP Exome Variant Server 0.00008.
gnomAD v4.1: 47 of 1,614,018 alleles (0.0029%); highest among the groups gnomAD compares: Non-Finnish European, 0.0039%; no homozygotes.

Submissions (3):

Ambry Genetics
Classification: Uncertain significance for Cardiovascular phenotype. Last evaluated: 2025-06-24. Review status: criteria provided, single submitter. Criteria: Ambry Variant Classification Scheme 2023. Collection method: clinical testing. Allele origin: germline.
Comment: The p.K1385R variant (also known as c.4154A>G), located in coding exon 50 of the COL1A1 gene, results from an A to G substitution at nucleotide position 4154. The lysine at codon 1385 is replaced by arginine, an amino acid with highly similar properties. This amino acid position is highly conserved in available vertebrate species. In addition, the in silico prediction for this alteration is inconclusive. Based on the available evidence, the clinical significance of this variant remains unclear.

Blueprint Genetics
Classification: Uncertain significance. Last evaluated: 2024-09-17. Review status: criteria provided, single submitter. Criteria: ACMG Guidelines, 2015. Collection method: clinical testing. Allele origin: germline.

Labcorp Genetics (formerly Invitae), Labcorp
Classification: Likely benign for Osteogenesis imperfecta type I. Last evaluated: 2022-02-01. Review status: criteria provided, single submitter. Criteria: Invitae Variant Classification Sherloc (09022015). Collection method: clinical testing. Allele origin: germline.

Literature cited by the submitters: PubMed 25146735 (cited by Ambry Genetics).

NM_000088.4(COL1A1):c.4154A>G (p.Lys1385Arg)

Gene: COL1A1 (collagen type I alpha 1 chain; minus strand). Cytogenetic location: 17q21.33.
Variant type: single nucleotide variant.
Coding change: c.4154A>G on transcript NM_000088.4 (MANE Select); coding-DNA position 4154, A replaced by G.
Protein change: p.Lys1385Arg; replaces lysine 1385 with arginine.
Molecular consequence: missense variant.
Genome position (GRCh38, 1-based): chr17:50,185,872, T>C on the plus strand (A>G on the coding strand, the complement: COL1A1 is on the minus strand). VCF-style: chr17-50185872-T-C. GRCh37 (hg19) VCF-style: chr17-48263233-T-C.
Other names: short protein forms K1385R.
Identifiers: ClinVar variation 2196103 (VCV002196103.6), dbSNP rs376024832, ClinGen allele CA8644250.